The following is an entry in ClinVar:

ClinVar aggregate classification (germline): Uncertain significance. Review status: criteria provided, multiple submitters, no conflicts (2 of 4 stars). 2 submissions from 2 submitters: Uncertain significance (2). Last evaluated 2024-09-26.

Conditions:
Inborn genetic diseases. Identifiers: MedGen C0950123, MeSH D030342.

gnomAD v4.1: 9 of 1,614,042 alleles (0.00056%); highest among the groups gnomAD compares: African/African-American, 0.011%; no homozygotes.

Submissions (2):

Ambry Genetics
Classification: Uncertain significance for Inborn genetic diseases. Last evaluated: 2024-09-26. Review status: criteria provided, single submitter. Criteria: Ambry Variant Classification Scheme 2023. Collection method: clinical testing. Allele origin: germline.

Women's Health and Genetics/Laboratory Corporation of America, LabCorp
Classification: Uncertain significance. Last evaluated: 2024-05-22. Review status: criteria provided, single submitter. Criteria: LabCorp Variant Classification Summary - May 2015. Collection method: clinical testing. Allele origin: germline.
Comment: Variant summary: KDM3B c.2653G>C (p.Val885Leu) results in a conservative amino acid change in the encoded protein sequence. Five of five in-silico tools predict a benign effect of the variant on protein function. The variant allele was found at a frequency of 8e-06 in 251382 control chromosomes (gnomAD). The available data on variant occurrences in the general population are insufficient to allow any conclusion about variant significance. To our knowledge, no occurrence of c.2653G>C in individuals affected with KDM3B-Related Disorders and no experimental evidence demonstrating its impact on protein function have been reported. No submitters have cited clinical-significance assessments for this variant to ClinVar. Based on the evidence outlined above, the variant was classified as uncertain significance.

NM_016604.4(KDM3B):c.2653G>C (p.Val885Leu)

Gene: KDM3B (lysine demethylase 3B; plus strand). Cytogenetic location: 5q31.2.
Variant type: single nucleotide variant.
Coding change: c.2653G>C on transcript NM_016604.4 (MANE Select); coding-DNA position 2653, G replaced by C.
Protein change: p.Val885Leu; replaces valine 885 with leucine.
Molecular consequence: missense variant.
Genome position (GRCh38, 1-based): chr5:138,393,194, G>C. VCF-style: chr5-138393194-G-C. GRCh37 (hg19) VCF-style: chr5-137728883-G-C.
Other names: c.2653G>C (NM_016604.3); short protein forms V885L.
Identifiers: ClinVar variation 3336444 (VCV003336444.2).